The following is an entry in ClinVar:

ClinVar aggregate classification (germline): Uncertain significance (1 of 4 stars; one submission).

Conditions:
Charcot-Marie-Tooth disease type 4. Also called: Charcot-Marie-Tooth, Type 4; Charcot-Marie-Tooth disease, type IV. Identifiers: Orphanet 64749, MedGen C4082197, MONDO:0018995.

Submission:

Labcorp Genetics (formerly Invitae), Labcorp
Classification: Uncertain significance for Charcot-Marie-Tooth disease type 4. Last evaluated: 2021-03-23. Review status: criteria provided, single submitter. Criteria: Invitae Variant Classification Sherloc (09022015). Collection method: clinical testing. Allele origin: germline.
Comment: In summary, the available evidence is currently insufficient to determine the role of this variant in disease. Therefore, it has been classified as a Variant of Uncertain Significance. Algorithms developed to predict the effect of missense changes on protein structure and function (SIFT, PolyPhen-2, Align-GVGD) all suggest that this variant is likely to be tolerated, but these predictions have not been confirmed by published functional studies and their clinical significance is uncertain. This variant has not been reported in the literature in individuals with SBF2-related conditions. This variant is not present in population databases (ExAC no frequency). This sequence change replaces serine with glycine at codon 1428 of the SBF2 protein (p.Ser1428Gly). The serine residue is moderately conserved and there is a small physicochemical difference between serine and glycine.

NM_030962.4(SBF2):c.4282A>G (p.Ser1428Gly)

Genes: SBF2 (SET binding factor 2; minus strand), SBF2-AS1 (SBF2 antisense RNA 1; plus strand). Cytogenetic location: 11p15.4.
Variant type: single nucleotide variant.
Coding change: c.4282A>G on transcript NM_030962.4 (MANE Select); coding-DNA position 4282, A replaced by G.
Protein change: p.Ser1428Gly; replaces serine 1428 with glycine.
Molecular consequence: missense variant. On other transcripts: non-coding transcript variant (1).
Genome position (GRCh38, 1-based): chr11:9,808,161, T>C on the plus strand (A>G on the coding strand, the complement: SBF2 is on the minus strand). VCF-style: chr11-9808161-T-C. GRCh37 (hg19) VCF-style: chr11-9829708-T-C.
Other names: c.4378A>G, p.Ser1460Gly (NM_001386339.1); c.4153A>G, p.Ser1385Gly (NM_001386342.1); short protein forms S1385G, S1428G, S1460G.
Identifiers: ClinVar variation 1518541 (VCV001518541.8), dbSNP rs2133896771, ClinGen allele CA379640363.